The following is an entry in ClinVar:

NM_004706.4(ARHGEF1):c.2412C>T (p.Thr804=)

Gene: ARHGEF1 (Rho guanine nucleotide exchange factor 1; plus strand). Cytogenetic location: 19q13.2.
Variant type: single nucleotide variant.
Coding change: c.2412C>T on transcript NM_004706.4 (MANE Select); coding-DNA position 2412, C replaced by T.
Protein change: p.Thr804=; no amino-acid change (threonine 804 retained).
Molecular consequence: synonymous variant.
Genome position (GRCh38, 1-based): chr19:41,905,946, C>T. VCF-style: chr19-41905946-C-T. GRCh37 (hg19) VCF-style: chr19-42410098-C-T.
Other names: c.2313C>T, p.Thr771= (NM_198977.2); c.2457C>T, p.Thr819= (NM_199002.2).
Identifiers: ClinVar variation 1078918 (VCV001078918.36), dbSNP rs144745694, ClinGen allele CA9466725.

ClinVar aggregate classification (germline): Likely benign. Review status: criteria provided, multiple submitters, no conflicts (2 of 4 stars). 6 submissions from 6 submitters: Likely benign (4). 2 of the submissions do not count toward it. Last evaluated 2026-09-01.

Allele frequency attached by ClinVar (database versions not stated): 1000 Genomes Project 30x 0.00016; 1000 Genomes Project 0.00020; gnomAD 0.00088 and 0.00096; TOPMed 0.00114; ESP Exome Variant Server 0.00115.
gnomAD v4.1: 2,101 of 1,614,108 alleles (0.13%); highest among the groups gnomAD compares: Non-Finnish European, 0.16%; 1 homozygote.

Submissions (6):

CeGaT Center for Human Genetics Tuebingen
Classification: Likely benign. Last evaluated: 2026-09-01. Review status: criteria provided, single submitter. Criteria: CeGaT Center For Human Genetics Tuebingen Variant Classification Criteria Version 2. Collection method: clinical testing. Allele origin: germline. Affected: yes. Observed: 5 variant alleles.
Comment: ARHGEF1: BP4, BP7

Labcorp Genetics (formerly Invitae), Labcorp
Classification: Likely benign. Last evaluated: 2026-01-25. Review status: criteria provided, single submitter. Criteria: Invitae Variant Classification Sherloc (09022015). Collection method: clinical testing. Allele origin: germline.

Blueprint Genetics
Classification: Likely benign. Last evaluated: 2024-11-04. Review status: criteria provided, single submitter. Criteria: ACMG Guidelines, 2015. Collection method: clinical testing. Allele origin: germline.

Breakthrough Genomics
Classification: Likely benign. Review status: criteria provided, single submitter. Criteria: ACMG Guidelines, 2015. Collection method: not provided. Allele origin: germline. Inheritance: Autosomal recessive inheritance. Affected: yes.

Clinical Genetics DNA and cytogenetics Diagnostics Lab, Erasmus MC, Erasmus Medical Center
Classification: Likely benign. Review status: no assertion criteria provided. Collection method: clinical testing. Allele origin: germline. Affected: yes. Study: VKGL Data-share Consensus. Not counted in ClinVar's aggregate classification.

Genome Diagnostics Laboratory, University Medical Center Utrecht
Classification: Likely benign. Review status: no assertion criteria provided. Collection method: clinical testing. Allele origin: germline. Affected: yes. Study: VKGL Data-share Consensus. Not counted in ClinVar's aggregate classification.